The following is an entry in ClinVar:

ClinVar aggregate classification (germline): Uncertain significance. Review status: criteria provided, single submitter (1 of 4 stars). 2 submissions from 2 submitters: Uncertain significance (1). 1 of the submissions does not count toward it. Last evaluated 2021-11-14.

Conditions:
TRIM32-related disorder. Also called: TRIM32-related condition.
Bardet-Biedl syndrome (BBS). Identifiers: Orphanet 110, MedGen C0752166, MONDO:0015229.

Submissions (2):

Labcorp Genetics (formerly Invitae), Labcorp
Classification: Uncertain significance for Bardet-Biedl syndrome. Last evaluated: 2021-11-14. Review status: criteria provided, single submitter. Criteria: Invitae Variant Classification Sherloc (09022015). Collection method: clinical testing. Allele origin: germline.
Comment: This sequence change replaces glycine, which is neutral and non-polar, with aspartic acid, which is acidic and polar, at codon 284 of the TRIM32 protein (p.Gly284Asp). In summary, the available evidence is currently insufficient to determine the role of this variant in disease. Therefore, it has been classified as a Variant of Uncertain Significance. Algorithms developed to predict the effect of missense changes on protein structure and function (SIFT, PolyPhen-2, Align-GVGD) all suggest that this variant is likely to be tolerated. This variant has not been reported in the literature in individuals affected with TRIM32-related conditions. This variant is not present in population databases (gnomAD no frequency).

PreventionGenetics, part of Exact Sciences
Classification: Uncertain significance for TRIM32-related condition. Last evaluated: 2024-07-05. Review status: no assertion criteria provided. Collection method: clinical testing. Allele origin: germline. Not counted in ClinVar's aggregate classification.
Comment: The TRIM32 c.851G>A variant is predicted to result in the amino acid substitution p.Gly284Asp. To our knowledge, this variant has not been reported in the literature or in a large population database, indicating this variant is rare. At this time, the clinical significance of this variant is uncertain due to the absence of conclusive functional and genetic evidence.

NM_012210.4(TRIM32):c.851G>A (p.Gly284Asp)

Genes: ASTN2 (astrotactin 2; minus strand), TRIM32 (tripartite motif containing 32; plus strand). Cytogenetic location: 9q33.1.
Variant type: single nucleotide variant.
Coding change: c.851G>A on transcript NM_012210.4 (MANE Select); coding-DNA position 851, G replaced by A.
Protein change: p.Gly284Asp; replaces glycine 284 with aspartic acid.
Molecular consequence: missense variant. On other transcripts: intron variant (3).
Genome position (GRCh38, 1-based): chr9:116,698,593, G>A. VCF-style: chr9-116698593-G-A. GRCh37 (hg19) VCF-style: chr9-119460872-G-A.
Other names: c.851G>A, p.Gly284Asp (NM_001099679.2, NM_001379048.1, NM_001379049.1 and 1 more transcripts); c.2653+27178C>T (NM_014010.5); c.2794+27178C>T (NM_001365069.1); c.2806+27178C>T (NM_001365068.1); short protein forms G284D.
Identifiers: ClinVar variation 1420512 (VCV001420512.7), dbSNP rs1861007449, ClinGen allele CA374650062.